The following is an entry in ClinVar:

ClinVar aggregate classification (germline): Uncertain significance (0 of 4 stars; one submission).

Conditions:
TTN-related disorder. Also called: TTN-related disorders; TTN-related condition; TTN-related disease.

Submission:

PreventionGenetics, part of Exact Sciences
Classification: Uncertain significance for TTN-related condition. Last evaluated: 2024-09-25. Review status: no assertion criteria provided. Collection method: clinical testing. Allele origin: germline.
Comment: The TTN c.10799C>G variant is predicted to result in premature protein termination (p.Ser3600*). To our knowledge, this variant has not been reported in the literature or in a large population database, indicating this variant is rare. This variant is located in exon 44 of the Novex-2 transcript (minor cardiac short isoform) and also included in the meta-transcript (NM_001267550.2). However, no other TTN transcripts include this exon and this variant would be deep intronic in these alternate transcripts. RNAseq studies from heart tissue indicate this exon is not constitutively expressed in TTN mRNA transcripts (PSI of 4%-14%); however, this analysis in muscle tissue was not performed (Roberts et al. 2015. PMID: 25589632). TTN truncating variants are reported in 1-2% of presumably healthy individuals and occur more frequently in exons with low PSI values, indicating this variant is less likely to be disease causing (Herman et al. 2012. PMID: 22335739; Roberts et al. 2015. PMID: 25589632). An alternate nucleotide change resulting in the same protein effect (c.10799C>A, p.Ser3600*) has been reported in a subset of population cohorts and interpreted as a variant of uncertain significance in ClinVar (Table S2, Roberts et al. 2015. PubMed ID: 25589632). At this time, the clinical significance of the c.10799C>G (p.Ser3600*) variant is uncertain due to the absence of conclusive functional and genetic evidence.

NM_001267550.2(TTN):c.10799C>G (p.Ser3600Ter)

Gene: TTN (titin; minus strand). Cytogenetic location: 2q31.2.
Variant type: single nucleotide variant.
Coding change: c.10799C>G on transcript NM_001267550.2 (MANE Select); coding-DNA position 10799, C replaced by G.
Protein change: p.Ser3600Ter; replaces serine 3600 with a stop codon.
Molecular consequence: nonsense. On other transcripts: intron variant (5).
Genome position (GRCh38, 1-based): chr2:178,756,677, G>C on the plus strand (C>G on the coding strand, the complement: TTN is on the minus strand). VCF-style: chr2-178756677-G-C. GRCh37 (hg19) VCF-style: chr2-179621404-G-C.
Other names: c.10286C>G, p.Ser3429Ter (NM_133437.4); c.10165+2307C>G (NM_003319.4); c.10540+865C>G (NM_133432.3); c.10303+2307C>G (NM_133378.4, NM_001256850.1, NM_133379.5); short protein forms S3429*, S3600*.
Identifiers: ClinVar variation 3345408 (VCV003345408.1).